The following is an entry in ClinVar:

NM_001199563.2(POPDC1):c.602C>T (p.Ser201Phe)

Gene: POPDC1 (popeye domain cAMP effector 1; minus strand). Cytogenetic location: 6q21.
Variant type: single nucleotide variant.
Coding change: c.602C>T on transcript NM_001199563.2 (MANE Select); coding-DNA position 602, C replaced by T.
Protein change: p.Ser201Phe; replaces serine 201 with phenylalanine.
Molecular consequence: missense variant.
Genome position (GRCh38, 1-based): chr6:105,124,593, G>A on the plus strand (C>T on the coding strand, the complement: POPDC1 is on the minus strand). VCF-style: chr6-105124593-G-A. GRCh37 (hg19) VCF-style: chr6-105572468-G-A.
Other names: c.602C>T, p.Ser201Phe (NM_007073.4, NM_147147.4); short protein forms S201F.
Identifiers: ClinVar variation 222033 (VCV000222033.8), dbSNP rs869025337, ClinGen allele CA351648.

ClinVar aggregate classification (germline): Likely pathogenic. Review status: criteria provided, multiple submitters, no conflicts (2 of 4 stars). 3 submissions from 3 submitters: Likely pathogenic (2). 1 of the submissions does not count toward it. Last evaluated 2024-01-08.

Conditions:
Autosomal recessive limb-girdle muscular dystrophy type 2X (LGMDR25). Also called: Muscular dystrophy, limb-girdle, type 2X. Identifiers: Orphanet 476084, MedGen C5568138, MONDO:0014782, OMIM 616812.

Allele frequency attached by ClinVar (database versions not stated): TOPMed 0.00001.
gnomAD v4.1: 4 of 1,612,872 alleles (0.00025%); highest among the groups gnomAD compares: Non-Finnish European, 0.00034%; no homozygotes.

Submissions (3):

GeneDx
Classification: Likely pathogenic. Last evaluated: 2024-01-08. Review status: criteria provided, single submitter. Criteria: GeneDx Variant Classification Process June 2021. Collection method: clinical testing. Allele origin: germline. Affected: yes.
Comment: Published functional studies demonstrate a damaging effect (PMID: 26642364, 36624536); Not observed at significant frequency in large population cohorts (gnomAD); This variant is associated with the following publications: (PMID: 27347491, 28939104, 31197601, 29534001, 36254885, 26642364, 36624536, 36155908)

Revvity Omics, Revvity
Classification: Likely pathogenic for Autosomal recessive limb-girdle muscular dystrophy type 2X. Last evaluated: 2019-08-05. Review status: criteria provided, single submitter. Criteria: ACMG Guidelines, 2015. Collection method: clinical testing. Allele origin: germline.

OMIM
Classification: Pathogenic for MUSCULAR DYSTROPHY, LIMB-GIRDLE, AUTOSOMAL RECESSIVE 25. Last evaluated: 2019-04-22. Review status: no assertion criteria provided. Collection method: literature only. Allele origin: germline. Not counted in ClinVar's aggregate classification.

Literature cited by the submitters: PubMed 26642364 (cited by OMIM).